The following is an entry in ClinVar:

ClinVar aggregate classification (germline): Pathogenic (1 of 4 stars; one submission).

Conditions:
Candidiasis, familial, 8 (CANDF8). Identifiers: Orphanet 1334, MedGen C3714992, MONDO:0014230, OMIM 615527.

Submission:

Labcorp Genetics (formerly Invitae), Labcorp
Classification: Pathogenic for Candidiasis, familial, 8. Last evaluated: 2023-12-27. Review status: criteria provided, single submitter. Criteria: Invitae Variant Classification Sherloc (09022015). Collection method: clinical testing. Allele origin: germline.
Comment: This sequence change creates a premature translational stop signal (p.Ser233Cysfs*40) in the TRAF3IP2 gene. It is expected to result in an absent or disrupted protein product. Loss-of-function variants in TRAF3IP2 are known to be pathogenic (PMID: 24120361). This variant is not present in population databases (gnomAD no frequency). This variant has not been reported in the literature in individuals affected with TRAF3IP2-related conditions. For these reasons, this variant has been classified as Pathogenic.

Literature cited by the submitters: PubMed 24120361.

NM_147686.4(TRAF3IP2):c.698_749del (p.Ser233fs)

Genes: TRAF3IP2 (TRAF3 interacting protein 2; minus strand), TRAF3IP2-AS1 (TRAF3IP2 antisense RNA 1; plus strand), LOC114803478 (TRAF3IP2 eExon liver enhancer; plus strand). Cytogenetic location: 6q21.
Variant type: Deletion.
Coding change: c.698_749del on transcript NM_147686.4 (MANE Select); coding-DNA positions 698 to 749, 52 bases deleted.
Protein change: p.Ser233fs; shifts the reading frame from serine 233.
Molecular consequence: frameshift variant.
Genome position (GRCh38, 1-based): chr6:111,591,338-111,591,389, 52 bases deleted. GRCh37 (hg19): chr6:111,912,542-111,912,593.
Other names: c.698_749del, p.Ser233fs (NM_001164281.3); c.725_776del, p.Ser242fs (NM_147200.3); short protein forms S233fs, S242fs.
Identifiers: ClinVar variation 2909049 (VCV002909049.3), dbSNP rs2536179287, ClinGen allele CA2739266046.